The following is an entry in ClinVar:

NM_000122.2(ERCC3):c.471+1G>A

Gene: ERCC3 (ERCC excision repair 3, TFIIH core complex helicase subunit; minus strand). Cytogenetic location: 2q14.3.
Variant type: single nucleotide variant.
Coding change: c.471+1G>A on transcript NM_000122.2 (MANE Select); the canonical splice donor site of the intron after coding-DNA position 471, G replaced by A.
Molecular consequence: splice donor variant.
Genome position (GRCh38, 1-based): chr2:127,292,609, C>T on the plus strand (G>A on the coding strand, the complement: ERCC3 is on the minus strand). VCF-style: chr2-127292609-C-T. GRCh37 (hg19) VCF-style: chr2-128050185-C-T.
Other names: IVS3DS, G-A, +1; c.279+1G>A (NM_001303416.2, NM_001303418.2).
Identifiers: ClinVar variation 16589 (VCV000016589.4), dbSNP rs1558964705, ClinGen allele CA348391447.

ClinVar aggregate classification (germline): Pathogenic. Review status: criteria provided, multiple submitters, no conflicts (2 of 4 stars). 3 submissions from 3 submitters: Pathogenic (2). 1 of the submissions does not count toward it. Last evaluated 2025-05-30.

Conditions:
Xeroderma pigmentosum (XP). Identifiers: Orphanet 910, MedGen C0043346, MONDO:0019600.
Xeroderma pigmentosum group B. Also called: XP, GROUP B; XPB/CS; XERODERMA PIGMENTOSUM B/COCKAYNE SYNDROME; ERCC3-Related Xeroderma Pigmentosum. Identifiers: MedGen C0268136, MONDO:0012531, OMIM 610651.

Submissions (3):

Labcorp Genetics (formerly Invitae), Labcorp
Classification: Pathogenic. Last evaluated: 2025-05-30. Review status: criteria provided, single submitter. Criteria: Invitae Variant Classification Sherloc (09022015). Collection method: clinical testing. Allele origin: germline.
Comment: This sequence change affects a donor splice site in intron 3 of the ERCC3 gene. It is expected to disrupt RNA splicing. Variants that disrupt the donor or acceptor splice site typically lead to a loss of protein function (PMID: 16199547), and loss-of-function variants in ERCC3 are known to be pathogenic (PMID: 16947863). This variant is not present in population databases (gnomAD no frequency). Disruption of this splice site has been observed in individual(s) with ERCC3-related conditions (PMID: 16947863). It has also been observed to segregate with disease in related individuals. ClinVar contains an entry for this variant (Variation ID: 16589). Algorithms developed to predict the effect of sequence changes on RNA splicing suggest that this variant may disrupt the consensus splice site. For these reasons, this variant has been classified as Pathogenic.

Women's Health and Genetics/Laboratory Corporation of America, LabCorp
Classification: Pathogenic for Xeroderma pigmentosum. Last evaluated: 2023-03-31. Review status: criteria provided, single submitter. Criteria: LabCorp Variant Classification Summary - May 2015. Collection method: clinical testing. Allele origin: germline.
Comment: Variant summary: ERCC3 c.471+1G>A is located in a canonical splice-site and is predicted to affect mRNA splicing resulting in a significantly altered protein due to either exon skipping, shortening, or inclusion of intronic material. One computational tool predicts a significant impact on normal splicing, suggesting the variant abolishes a canonical 5' splicing donor site. At least one publication reports experimental evidence that this variant affects mRNA splicing, leading to an insertion of 231 bases from intron 3 into the cDNA of individuals carrying the variant, resulting in a premature stop codon (Oh_2006). The variant was absent in 251432 control chromosomes. c.471+1G>A has been reported in the literature in individuals affected with mild Xeroderma Pigmentosum and Cockayne Syndrome (Oh_2006), and they were reported as compound heterozygous with a (likely) pathogenic missense variant in trans. These data indicate that the variant is very likely to be associated with disease. This publication also reports experimental evidence evaluating the function of an affected patient's cells, finding inhibited post-UV cell viability, DNA repair activity, and protein expression. Furthermore, a host cell reactivation assay showed that while transfection of a wildtype XPB cDNA construct was able to rescue DNA synthesis activity in cells from a severely affected XP patient, transfection with the c.471+1G>A construct showed substantially reduced activity and was not significantly higher than an empty vector. No submitters have provided clinical-significance assessments for this variant to ClinVar after 2014. Based on the evidence outlined above, the variant was classified as pathogenic.

OMIM
Classification: Pathogenic for XERODERMA PIGMENTOSUM B/COCKAYNE SYNDROME. Last evaluated: 2006-11-01. Review status: no assertion criteria provided. Collection method: literature only. Allele origin: germline. Not counted in ClinVar's aggregate classification.

Literature cited by the submitters: PubMed 16199547 (cited by Labcorp Genetics (formerly Invitae), Labcorp); PubMed 16947863 (cited by 3 submitters); PubMed 8304337 (cited by OMIM).